The following is an entry in ClinVar:

ClinVar aggregate classification (germline): Uncertain significance (1 of 4 stars; one submission).

Conditions:
Catecholaminergic polymorphic ventricular tachycardia 1. Also called: RYR2-Related Catecholaminergic Polymorphic Ventricular Tachycardia; VENTRICULAR TACHYCARDIA, STRESS-INDUCED POLYMORPHIC 1; VENTRICULAR TACHYCARDIA, CATECHOLAMINERGIC POLYMORPHIC, 1, WITH OR WITHOUT ATRIAL DYSFUNCTION AND/OR DILATED CARDIOMYOPATHY. Identifiers: Orphanet 3286, MedGen C1631597, MONDO:0011484, OMIM 604772.

Submission:

Labcorp Genetics (formerly Invitae), Labcorp
Classification: Uncertain significance for Catecholaminergic polymorphic ventricular tachycardia 1. Last evaluated: 2025-10-01. Review status: criteria provided, single submitter. Criteria: Invitae Variant Classification Sherloc (09022015). Collection method: clinical testing. Allele origin: germline.
Comment: This sequence change creates a premature translational stop signal (p.Asp4929Argfs*2) in the RYR2 gene. While this is not anticipated to result in nonsense mediated decay, it is expected to disrupt the last 39 amino acid(s) of the RYR2 protein. This variant is not present in population databases (gnomAD no frequency). This variant has not been reported in the literature in individuals affected with RYR2-related conditions. In summary, the available evidence is currently insufficient to determine the role of this variant in disease. Therefore, it has been classified as a Variant of Uncertain Significance.

NM_001035.3(RYR2):c.14784dup (p.Asp4929fs)

Gene: RYR2 (ryanodine receptor 2; plus strand). Cytogenetic location: 1q43.
Variant type: Duplication.
Coding change: c.14784dup on transcript NM_001035.3 (MANE Select); coding-DNA position 14784, one base duplicated (A; older notation c.14784dupA).
Protein change: p.Asp4929fs; shifts the reading frame from aspartic acid 4929.
Molecular consequence: frameshift variant.
Genome position (GRCh38, 1-based): chr1:237,831,541, A duplicated; the last of 3 consecutive A bases (chr1:237,831,539-237,831,541); duplicating any one gives the same sequence. VCF-style (leftmost placement, unchanged base first): chr1-237831538-C-CA. GRCh37 (hg19) VCF-style: chr1-237994838-C-CA.
Other names: short protein forms D4929fs.
Identifiers: ClinVar variation 4726807 (VCV004726807.1).